The following is an entry in ClinVar:

NM_013275.6(ANKRD11):c.3708_3709del (p.Lys1237fs)

Gene: ANKRD11 (ankyrin repeat domain 11; minus strand). Cytogenetic location: 16q24.3.
Variant type: Deletion.
Coding change: c.3708_3709del on transcript NM_013275.6 (MANE Select); coding-DNA positions 3708 to 3709, 2 bases deleted (GA; older notation c.3708_3709delGA).
Protein change: p.Lys1237fs; shifts the reading frame from lysine 1237.
Molecular consequence: frameshift variant.
Genome position (GRCh38, 1-based): chr16:89,282,833-89,282,834, TC deleted on the plus strand (GA on the coding strand, the reverse complement: ANKRD11 is on the minus strand); deleting any 2 consecutive bases within chr16:89,282,833-89,282,835 gives the same sequence; the c. name uses the placement nearest the transcript's 3' end. VCF-style (leftmost placement, unchanged base first): chr16-89282832-TTC-T. GRCh37 (hg19) VCF-style: chr16-89349240-TTC-T.
Other names: c.3708_3709del (NM_013275.5); c.3708_3709del, p.Lys1237fs (NM_001256182.2, NM_001256183.2); short protein forms K1237fs.
Identifiers: ClinVar variation 565310 (VCV000565310.12), dbSNP rs1567572265, ClinGen allele CA891844324.

ClinVar aggregate classification (germline): Pathogenic/Likely pathogenic. Review status: criteria provided, multiple submitters, no conflicts (2 of 4 stars). 3 submissions from 3 submitters: Pathogenic (1); Likely pathogenic (2). Last evaluated 2023-12-28.

Conditions:
ANKRD11-related disorder. Also called: ANKRD11-related condition.
KBG syndrome (KBGS). Also called: ANKRD11-Related KBG Syndrome. Identifiers: Orphanet 2332, MedGen C0220687, MONDO:0007846, OMIM 148050.

Submissions (3):

Blueprint Genetics
Classification: Likely pathogenic for ANKRD11-related disorders. Last evaluated: 2023-12-28. Review status: criteria provided, single submitter. Criteria: ACMG Guidelines, 2015. Collection method: clinical testing. Allele origin: germline. Affected: yes. Observed: 2 variant alleles.

Laboratorio de Genetica e Diagnostico Molecular, Hospital Israelita Albert Einstein
Classification: Likely pathogenic for KBG syndrome. Last evaluated: 2023-03-18. Review status: criteria provided, single submitter. Criteria: ACMG Guidelines, 2015. Collection method: clinical testing. Allele origin: germline. Affected: yes.
Comment: ACMG classification criteria: PVS1 very strong, PM2 moderate

Labcorp Genetics (formerly Invitae), Labcorp
Classification: Pathogenic for KBG syndrome. Last evaluated: 2019-07-08. Review status: criteria provided, single submitter. Criteria: Invitae Variant Classification Sherloc (09022015). Collection method: clinical testing. Allele origin: germline.
Comment: This variant is not present in population databases (ExAC no frequency). This sequence change creates a premature translational stop signal (p.Lys1237Alafs*6) in the ANKRD11 gene. It is expected to result in an absent or disrupted protein product. For these reasons, this variant has been classified as Pathogenic. Loss-of-function variants in ANKRD11 are known to be pathogenic (PMID: 21782149, 25125236, 25413698, 25652421).

Literature cited by the submitters: PubMed 21782149 (cited by Labcorp Genetics (formerly Invitae), Labcorp); PubMed 25125236 (cited by Labcorp Genetics (formerly Invitae), Labcorp); PubMed 25413698 (cited by Labcorp Genetics (formerly Invitae), Labcorp); PubMed 25652421 (cited by Labcorp Genetics (formerly Invitae), Labcorp).